The following is an entry in ClinVar:

NM_006767.4(LZTR1):c.1281C>A (p.Cys427Ter)

Gene: LZTR1 (leucine zipper like post translational regulator 1; plus strand). Cytogenetic location: 22q11.21.
Variant type: single nucleotide variant.
Coding change: c.1281C>A on transcript NM_006767.4 (MANE Select); coding-DNA position 1281, C replaced by A.
Protein change: p.Cys427Ter; replaces cysteine 427 with a stop codon.
Molecular consequence: nonsense.
Genome position (GRCh38, 1-based): chr22:20,993,682, C>A. VCF-style: chr22-20993682-C-A. GRCh37 (hg19) VCF-style: chr22-21347971-C-A.
Other names: c.1281C>A (NM_006767.3); short protein forms C427*.
Identifiers: ClinVar variation 2652928 (VCV002652928.24), dbSNP rs1038727557, ClinGen allele CA322268616.

ClinVar aggregate classification (germline): Pathogenic. Review status: criteria provided, multiple submitters, no conflicts (2 of 4 stars). 2 submissions from 2 submitters: Pathogenic (2). Last evaluated 2025-12-12.

Conditions:
Cardiovascular phenotype. Identifiers: MedGen CN230736.
Hereditary cancer-predisposing syndrome. Also called: Neoplastic Syndromes, Hereditary; Tumor predisposition; Hereditary neoplastic syndrome; Hereditary Cancer Syndrome. Identifiers: Orphanet 140162, MedGen C0027672, MeSH D009386, MONDO:0015356.

Submissions (2):

Ambry Genetics
Classification: Pathogenic for Cardiovascular phenotype; Hereditary cancer-predisposing syndrome. Last evaluated: 2025-12-12. Review status: criteria provided, single submitter. Criteria: Ambry Variant Classification Scheme 2023. Collection method: clinical testing. Allele origin: germline.
Comment: The p.C427* pathogenic mutation (also known as c.1281C>A), located in coding exon 12 of the LZTR1 gene, results from a C to A substitution at nucleotide position 1281. This changes the amino acid from a cysteine to a stop codon within coding exon 12. This variant is considered to be rare based on population cohorts in the Genome Aggregation Database (gnomAD). This alteration is expected to result in loss of function by premature protein truncation or nonsense-mediated mRNA decay. Loss-of-function variants in LZTR1 are related to an increased risk for schwannomas and autosomal recessive Noonan syndrome; however, such associations with autosomal dominant Noonan syndrome have not been observed (Piotrowski A et al. Nat Genet. 2014 Feb;46:182-7; Yamamoto GL et al. J Med Genet. 2015 Jun;52:413-21; Johnston JJ et al. Genet Med. 2018 10;20:1175-1185). Based on the supporting evidence, this variant is pathogenic for an increased risk of LZTR1-related schwannomatosis (SWN) and would be expected to cause autosomal recessive Noonan syndrome when present along with a second pathogenic or likely pathogenic variant on the other allele; however, the association of this alteration with autosomal dominant Noonan syndrome is unlikely.

CeGaT Center for Human Genetics Tuebingen
Classification: Pathogenic. Last evaluated: 2023-03-01. Review status: criteria provided, single submitter. Criteria: CeGaT Center For Human Genetics Tuebingen Variant Classification Criteria Version 2. Collection method: clinical testing. Allele origin: germline. Affected: yes. Observed: 1 variant allele.
Comment: LZTR1: PVS1, PM2